The following is an entry in ClinVar:

ClinVar aggregate classification (germline): Uncertain significance. Review status: criteria provided, multiple submitters, no conflicts (2 of 4 stars). 2 submissions from 2 submitters: Uncertain significance (2). Last evaluated 2023-05-26.

Allele frequency attached by ClinVar (database versions not stated): TOPMed 0.00001.
gnomAD v4.1: 11 of 1,614,160 alleles (0.00068%); highest among the groups gnomAD compares: Admixed American, 0.012%; no homozygotes.

Submissions (2):

Women's Health and Genetics/Laboratory Corporation of America, LabCorp
Classification: Uncertain significance. Last evaluated: 2023-05-26. Review status: criteria provided, single submitter. Criteria: LabCorp Variant Classification Summary - May 2015. Collection method: clinical testing. Allele origin: germline.
Comment: Variant summary: HTRA1 c.517G>T (p.Ala173Ser) results in a conservative amino acid change in the encoded protein sequence. Four of five in-silico tools predict a damaging effect of the variant on protein function. The variant allele was found at a frequency of 1.6e-05 in 251496 control chromosomes (gnomAD). c.517G>T has been reported in the literature in one homozygous individual with Cerebral Autosomal Recessive Arteriopathy with Subcortical Infarcts and Leukoencephalopathy (CARASIL, Shang_2021), which is a known phenotype associated with the HTRA1 gene (MIM phenotype: 600142). These data indicate that the variant may be associated with disease. To our knowledge, no experimental evidence demonstrating an impact on protein function has been reported. The following publication has been ascertained in the context of this evaluation (PMID: 34461444). One ClinVar submitter has assessed the variant since 2014: the variant was classified as uncertain significance. Based on the evidence outlined above, the variant was classified as VUS-possibly pathogenic.

Athena Diagnostics
Classification: Uncertain significance. Last evaluated: 2022-06-28. Review status: criteria provided, single submitter. Criteria: Athena Diagnostics Criteria. Collection method: clinical testing. Allele origin: unknown.

Literature cited by the submitters: PubMed 34461444 (cited by Women's Health and Genetics/Laboratory Corporation of America, LabCorp and Athena Diagnostics).

NM_002775.5(HTRA1):c.517G>T (p.Ala173Ser)

Gene: HTRA1 (HtrA serine peptidase 1; plus strand). Cytogenetic location: 10q26.13.
Variant type: single nucleotide variant.
Coding change: c.517G>T on transcript NM_002775.5 (MANE Select); coding-DNA position 517, G replaced by T.
Protein change: p.Ala173Ser; replaces alanine 173 with serine.
Molecular consequence: missense variant.
Genome position (GRCh38, 1-based): chr10:122,488,946, G>T. VCF-style: chr10-122488946-G-T. GRCh37 (hg19) VCF-style: chr10-124248462-G-T.
Other names: short protein forms A173S.
Identifiers: ClinVar variation 585616 (VCV000585616.4), dbSNP rs781563777, ClinGen allele CA5725840.